The following is an entry in ClinVar:

NM_019074.4(DLL4):c.305C>A (p.Pro102His)

Gene: DLL4 (delta like canonical Notch ligand 4; plus strand). Cytogenetic location: 15q15.1.
Variant type: single nucleotide variant.
Coding change: c.305C>A on transcript NM_019074.4 (MANE Select); coding-DNA position 305, C replaced by A.
Protein change: p.Pro102His; replaces proline 102 with histidine.
Molecular consequence: missense variant.
Genome position (GRCh38, 1-based): chr15:40,930,085, C>A. VCF-style: chr15-40930085-C-A. GRCh37 (hg19) VCF-style: chr15-41222283-C-A.
Other names: short protein forms P102H.
Identifiers: ClinVar variation 1314310 (VCV001314310.3), dbSNP rs1892742688, ClinGen allele CA391806033.

ClinVar aggregate classification (germline): Uncertain significance (1 of 4 stars; one submission).

Submission:

GeneDx
Classification: Uncertain significance. Last evaluated: 2022-09-19. Review status: criteria provided, single submitter. Criteria: GeneDx Variant Classification Process June 2021. Collection method: clinical testing. Allele origin: germline. Affected: yes.
Comment: Not observed in large population cohorts (gnomAD); In silico analysis supports that this missense variant has a deleterious effect on protein structure/function; Has not been previously published as pathogenic or benign to our knowledge